The following is an entry in ClinVar:

ClinVar aggregate classification (germline): Conflicting classifications of pathogenicity. Review status: criteria provided, conflicting classifications (1 of 4 stars). 2 submissions from 2 submitters: Uncertain significance (1); Likely benign (1). Last evaluated 2025-05-22.

Allele frequency attached by ClinVar (database versions not stated): gnomAD below 0.00001 and 0.00001; TOPMed 0.00002.
gnomAD v4.1: 2 of 1,543,230 alleles (0.00013%); highest among the groups gnomAD compares: South Asian, 0.0024%; no homozygotes.

Submissions (2):

Labcorp Genetics (formerly Invitae), Labcorp
Classification: Uncertain significance. Last evaluated: 2025-05-22. Review status: criteria provided, single submitter. Criteria: Invitae Variant Classification Sherloc (09022015). Collection method: clinical testing. Allele origin: germline.
Comment: This sequence change replaces arginine, which is basic and polar, with tryptophan, which is neutral and slightly polar, at codon 80 of the KCNQ5 protein (p.Arg80Trp). This variant is not present in population databases (gnomAD no frequency). This variant has not been reported in the literature in individuals affected with KCNQ5-related conditions. ClinVar contains an entry for this variant (Variation ID: 1013510). An algorithm developed to predict the effect of missense changes on protein structure and function (PolyPhen-2) suggests that this variant is likely to be disruptive. In summary, the available evidence is currently insufficient to determine the role of this variant in disease. Therefore, it has been classified as a Variant of Uncertain Significance.

CeGaT Center for Human Genetics Tuebingen
Classification: Likely benign. Last evaluated: 2020-11-01. Review status: criteria provided, single submitter. Criteria: CeGaT Center For Human Genetics Tuebingen Variant Classification Criteria Version 2. Collection method: clinical testing. Allele origin: germline. Affected: yes. Observed: 2 variant alleles.

NM_019842.4(KCNQ5):c.238C>T (p.Arg80Trp)

Genes: KCNQ5-DT (KCNQ5 divergent transcript; minus strand), KCNQ5 (potassium voltage-gated channel subfamily Q member 5; plus strand). Cytogenetic location: 6q13.
Variant type: single nucleotide variant.
Coding change: c.238C>T on transcript NM_019842.4 (MANE Select); coding-DNA position 238, C replaced by T.
Protein change: p.Arg80Trp; replaces arginine 80 with tryptophan.
Molecular consequence: missense variant.
Genome position (GRCh38, 1-based): chr6:72,622,427, C>T. VCF-style: chr6-72622427-C-T. GRCh37 (hg19) VCF-style: chr6-73332155-C-T.
Other names: c.238C>T, p.Arg80Trp (NM_001160130.2, NM_001160132.2, NM_001160133.2 and 1 more transcripts); short protein forms R80W.
Identifiers: ClinVar variation 1013510 (VCV001013510.39), dbSNP rs750955277, ClinGen allele CA3886696.
Genomic context (GRCh38, chr6:72,622,427, plus strand): 5'-CTGCTGGGCACCCGCGCGGCCACGCTCGGTGGCGGCGGCGGTGGCCTGAGGGAGAGCCGC[C>T]GGGGCAAGCAGGGGGCCCGGATGAGCCTGCTGGGGAAGCCGCTCTCTTACACGAGTAGCC-3'
Protein context (NP_062816.2, residues 70-90): GGGGGLRESR[Arg80Trp]GKQGARMSLL